The following is an entry in ClinVar:

NM_019594.4(LRRC8A):c.2053C>T (p.Arg685Cys)

Gene: LRRC8A (leucine rich repeat containing 8 VRAC subunit A; plus strand). Cytogenetic location: 9q34.11.
Variant type: single nucleotide variant.
Coding change: c.2053C>T on transcript NM_019594.4 (MANE Select); coding-DNA position 2053, C replaced by T.
Protein change: p.Arg685Cys; replaces arginine 685 with cysteine.
Molecular consequence: missense variant.
Genome position (GRCh38, 1-based): chr9:128,909,217, C>T. VCF-style: chr9-128909217-C-T. GRCh37 (hg19) VCF-style: chr9-131671496-C-T.
Other names: c.2053C>T, p.Arg685Cys (NM_001127244.2, NM_001127245.2); short protein forms R685C.
Identifiers: ClinVar variation 1411057 (VCV001411057.6), dbSNP rs778176423, ClinGen allele CA5270982.

ClinVar aggregate classification (germline): Uncertain significance (1 of 4 stars; one submission).

Allele frequency attached by ClinVar (database versions not stated): gnomAD 0.00001; gnomAD exomes 0.00001; ExAC 0.00002; TOPMed 0.00002.

Submission:

Labcorp Genetics (formerly Invitae), Labcorp
Classification: Uncertain significance. Last evaluated: 2024-08-31. Review status: criteria provided, single submitter. Criteria: Invitae Variant Classification Sherloc (09022015). Collection method: clinical testing. Allele origin: germline.
Comment: This sequence change replaces arginine, which is basic and polar, with cysteine, which is neutral and slightly polar, at codon 685 of the LRRC8A protein (p.Arg685Cys). This variant is present in population databases (rs778176423, gnomAD 0.003%). This variant has not been reported in the literature in individuals affected with LRRC8A-related conditions. ClinVar contains an entry for this variant (Variation ID: 1411057). An algorithm developed to predict the effect of missense changes on protein structure and function (PolyPhen-2) suggests that this variant is likely to be disruptive. In summary, the available evidence is currently insufficient to determine the role of this variant in disease. Therefore, it has been classified as a Variant of Uncertain Significance.